The following is an entry in ClinVar:

ClinVar aggregate classification (germline): Uncertain significance. Review status: criteria provided, multiple submitters, no conflicts (2 of 4 stars). 2 submissions from 2 submitters: Uncertain significance (2). Last evaluated 2025-06-12.

Conditions:
Diffuse cerebral and cerebellar atrophy - intractable seizures - progressive microcephaly syndrome. Also called: Microcephaly, progressive, with seizures and cerebral and cerebellar atrophy. Identifiers: Orphanet 404437, MedGen C4014239, MONDO:0014335, OMIM 615760.

Allele frequency attached by ClinVar (database versions not stated): gnomAD exomes below 0.00001 and 0.00001; TOPMed 0.00001; gnomAD 0.00001.
gnomAD v4.1: 3 of 1,614,142 alleles (0.00019%); highest among the groups gnomAD compares: Admixed American, 0.005%; no homozygotes.

Submissions (2):

GeneDx
Classification: Uncertain significance. Last evaluated: 2025-06-12. Review status: criteria provided, single submitter. Criteria: GeneDx Variant Classification Process June 2021. Collection method: clinical testing. Allele origin: germline. Affected: yes.
Comment: Not observed at significant frequency in large population cohorts (gnomAD); In silico analysis suggests that this missense variant does not alter protein structure/function; Has not been previously published as pathogenic or benign to our knowledge; This variant is associated with the following publications: (PMID: 25471517)

Labcorp Genetics (formerly Invitae), Labcorp
Classification: Uncertain significance for Diffuse cerebral and cerebellar atrophy - intractable seizures - progressive microcephaly syndrome. Last evaluated: 2022-08-09. Review status: criteria provided, single submitter. Criteria: Invitae Variant Classification Sherloc (09022015). Collection method: clinical testing. Allele origin: germline.
Comment: This sequence change replaces leucine, which is neutral and non-polar, with valine, which is neutral and non-polar, at codon 354 of the QARS protein (p.Leu354Val). This variant is present in population databases (no rsID available, gnomAD 0.003%). This variant has not been reported in the literature in individuals affected with QARS-related conditions. ClinVar contains an entry for this variant (Variation ID: 857707). Algorithms developed to predict the effect of missense changes on protein structure and function (SIFT, PolyPhen-2, Align-GVGD) all suggest that this variant is likely to be tolerated. In summary, the available evidence is currently insufficient to determine the role of this variant in disease. Therefore, it has been classified as a Variant of Uncertain Significance.

NM_005051.3(QARS1):c.1060C>G (p.Leu354Val)

Gene: QARS1 (glutaminyl-tRNA synthetase 1; minus strand). Cytogenetic location: 3p21.31.
Variant type: single nucleotide variant.
Coding change: c.1060C>G on transcript NM_005051.3 (MANE Select); coding-DNA position 1060, C replaced by G.
Protein change: p.Leu354Val; replaces leucine 354 with valine.
Molecular consequence: missense variant. On other transcripts: non-coding transcript variant (1).
Genome position (GRCh38, 1-based): chr3:49,100,294, G>C on the plus strand (C>G on the coding strand, the complement: QARS1 is on the minus strand). VCF-style: chr3-49100294-G-C. GRCh37 (hg19) VCF-style: chr3-49137727-G-C.
Other names: c.1027C>G, p.Leu343Val (NM_001272073.2); short protein forms L354V, L343V.
Identifiers: ClinVar variation 857707 (VCV000857707.8), dbSNP rs1370961350, ClinGen allele CA352710816.